The following is an entry in ClinVar:

NM_024757.5(EHMT1):c.280A>C (p.Asn94His)

Gene: EHMT1 (euchromatic histone lysine methyltransferase 1; plus strand). Cytogenetic location: 9q34.3.
Variant type: single nucleotide variant.
Coding change: c.280A>C on transcript NM_024757.5 (MANE Select); coding-DNA position 280, A replaced by C.
Protein change: p.Asn94His; replaces asparagine 94 with histidine.
Molecular consequence: missense variant.
Genome position (GRCh38, 1-based): chr9:137,716,820, A>C. VCF-style: chr9-137716820-A-C. GRCh37 (hg19) VCF-style: chr9-140611272-A-C.
Other names: c.280A>C, p.Asn94His (NM_001145527.2, NM_001354263.2, NM_001354611.2); c.187A>C, p.Asn63His (NM_001354259.2, NM_001354612.2); short protein forms N94H, N63H.
Identifiers: ClinVar variation 2066000 (VCV002066000.4), dbSNP rs2541031708, ClinGen allele CA375764014.

ClinVar aggregate classification (germline): Uncertain significance (1 of 4 stars; one submission).

Conditions:
Kleefstra syndrome 1 (KLEFS1). Identifiers: Orphanet 261494, MedGen C0795833, MONDO:0027407, OMIM 610253.

Submission:

Labcorp Genetics (formerly Invitae), Labcorp
Classification: Uncertain significance for Kleefstra syndrome 1. Last evaluated: 2021-12-29. Review status: criteria provided, single submitter. Criteria: Invitae Variant Classification Sherloc (09022015). Collection method: clinical testing. Allele origin: germline.
Comment: In summary, the available evidence is currently insufficient to determine the role of this variant in disease. Therefore, it has been classified as a Variant of Uncertain Significance. Algorithms developed to predict the effect of missense changes on protein structure and function are either unavailable or do not agree on the potential impact of this missense change (SIFT: "Deleterious"; PolyPhen-2: "Probably Damaging"; Align-GVGD: "Class C0"). This variant has not been reported in the literature in individuals affected with EHMT1-related conditions. This variant is not present in population databases (gnomAD no frequency). This sequence change replaces asparagine, which is neutral and polar, with histidine, which is basic and polar, at codon 94 of the EHMT1 protein (p.Asn94His).